The following is an entry in ClinVar:

NM_000298.6(PKLR):c.376-3C>G

Gene: PKLR (pyruvate kinase L/R; minus strand). Cytogenetic location: 1q22.
Variant type: single nucleotide variant.
Coding change: c.376-3C>G on transcript NM_000298.6 (MANE Select); 3 bases into the intron before coding-DNA position 376, C replaced by G.
Molecular consequence: intron variant.
Genome position (GRCh38, 1-based): chr1:155,295,571, G>C on the plus strand (C>G on the coding strand, the complement: PKLR is on the minus strand). VCF-style: chr1-155295571-G-C. GRCh37 (hg19) VCF-style: chr1-155265362-G-C.
Other names: c.283-3C>G (NM_181871.4).
Identifiers: ClinVar variation 3647400 (VCV003647400.2).
Genomic context (GRCh38, chr1:155,295,571, plus strand): 5'-GGGAACCTGCAAAGCTCTCCACCGCCTCCCGGACGTTGGCGATGGACTCAGCATGGTACT[G>C]GGGGAGGGAGCGGAGCGAGGGTTTCAGGGGAAGGTGGCCAGGACCTCGAGGCATCCTCCT-3'

ClinVar aggregate classification (germline): Uncertain significance (1 of 4 stars; one submission).

gnomAD v4.1: 7 of 1,613,940 alleles (0.00043%); highest among the groups gnomAD compares: African/African-American, 0.0053%; no homozygotes.

Submission:

Labcorp Genetics (formerly Invitae), Labcorp
Classification: Uncertain significance. Last evaluated: 2024-12-09. Review status: criteria provided, single submitter. Criteria: Invitae Variant Classification Sherloc (09022015). Collection method: clinical testing. Allele origin: germline.
Comment: This sequence change falls in intron 3 of the PKLR gene. It does not directly change the encoded amino acid sequence of the PKLR protein. It affects a nucleotide within the consensus splice site. This variant is present in population databases (no rsID available, gnomAD 0.008%). This variant has been observed in individual(s) with pyruvate kinase deficiency (Internal data). In at least one individual the data is consistent with being in trans (on the opposite chromosome) from a pathogenic variant. Variants that disrupt the consensus splice site are a relatively common cause of aberrant splicing (PMID: 17576681, 9536098). Algorithms developed to predict the effect of sequence changes on RNA splicing suggest that this variant may disrupt the consensus splice site. In summary, the available evidence is currently insufficient to determine the role of this variant in disease. Therefore, it has been classified as a Variant of Uncertain Significance.

Literature cited by the submitters: PubMed 17576681; PubMed 9536098.